The following is an entry in ClinVar:

NM_002439.5(MSH3):c.1027G>T (p.Asp343Tyr)

Genes: MSH3 (mutS homolog 3; plus strand), LOC126807437 (MED14-independent group 3 enhancer GRCh37_chr5:79968379-79969578; plus strand). Cytogenetic location: 5q14.1.
Variant type: single nucleotide variant.
Coding change: c.1027G>T on transcript NM_002439.5 (MANE Select); coding-DNA position 1027, G replaced by T.
Protein change: p.Asp343Tyr; replaces aspartic acid 343 with tyrosine.
Molecular consequence: missense variant.
Genome position (GRCh38, 1-based): chr5:80,672,858, G>T. VCF-style: chr5-80672858-G-T. GRCh37 (hg19) VCF-style: chr5-79968677-G-T.
Other names: c.1027G>T (NM_002439.3); short protein forms D343Y.
Identifiers: ClinVar variation 2099212 (VCV002099212.6), dbSNP rs2112814395, ClinGen allele CA360267564.

ClinVar aggregate classification (germline): Uncertain significance. Review status: criteria provided, multiple submitters, no conflicts (2 of 4 stars). 2 submissions from 2 submitters: Uncertain significance (2). Last evaluated 2023-08-16.

Conditions:
Hereditary cancer-predisposing syndrome. Also called: Hereditary neoplastic syndrome; Neoplastic Syndromes, Hereditary; Tumor predisposition; Hereditary Cancer Syndrome. Identifiers: Orphanet 140162, MedGen C0027672, MeSH D009386, MONDO:0015356.

Submissions (2):

Ambry Genetics
Classification: Uncertain significance for Hereditary cancer-predisposing syndrome. Last evaluated: 2023-08-16. Review status: criteria provided, single submitter. Criteria: Ambry Variant Classification Scheme 2023. Collection method: clinical testing. Allele origin: germline.
Comment: The p.D343Y variant (also known as c.1027G>T), located in coding exon 6 of the MSH3 gene, results from a G to T substitution at nucleotide position 1027. The aspartic acid at codon 343 is replaced by tyrosine, an amino acid with highly dissimilar properties. However, this change occurs in the last base pair of coding exon 6 and may have some effect on normal mRNA splicing. This nucleotide position is highly conserved in available vertebrate species. In silico splice site analysis predicts that this alteration will not have any significant effect on splicing. This amino acid position is highly conserved in available vertebrate species. In addition, as a missense substitution this is predicted to be deleterious by in silico analysis. Since supporting evidence is limited at this time, the clinical significance of this alteration remains unclear.

Labcorp Genetics (formerly Invitae), Labcorp
Classification: Uncertain significance. Last evaluated: 2022-03-09. Review status: criteria provided, single submitter. Criteria: Invitae Variant Classification Sherloc (09022015). Collection method: clinical testing. Allele origin: germline.
Comment: In summary, the available evidence is currently insufficient to determine the role of this variant in disease. Therefore, it has been classified as a Variant of Uncertain Significance. Variants that disrupt the consensus splice site are a relatively common cause of aberrant splicing (PMID: 17576681, 9536098). Algorithms developed to predict the effect of missense changes on protein structure and function are either unavailable or do not agree on the potential impact of this missense change (SIFT: "Deleterious"; PolyPhen-2: "Probably Damaging"; Align-GVGD: "Class C15"). This variant has not been reported in the literature in individuals affected with MSH3-related conditions. This variant is not present in population databases (gnomAD no frequency). This sequence change replaces aspartic acid, which is acidic and polar, with tyrosine, which is neutral and polar, at codon 343 of the MSH3 protein (p.Asp343Tyr). This variant also falls at the last nucleotide of exon 6, which is part of the consensus splice site for this exon.

Literature cited by the submitters: PubMed 17576681 (cited by Labcorp Genetics (formerly Invitae), Labcorp); PubMed 9536098 (cited by Labcorp Genetics (formerly Invitae), Labcorp).